The following is an entry in ClinVar:

NM_000702.4(ATP1A2):c.-48C>G

Gene: ATP1A2 (ATPase Na+/K+ transporting subunit alpha 2; plus strand). Cytogenetic location: 1q23.2.
Variant type: single nucleotide variant.
Coding change: c.-48C>G on transcript NM_000702.4 (MANE Select); 48 bases upstream of the start codon, C replaced by G.
Molecular consequence: 5 prime UTR variant.
Genome position (GRCh38, 1-based): chr1:160,115,814, C>G. VCF-style: chr1-160115814-C-G. GRCh37 (hg19) VCF-style: chr1-160085604-C-G.
Identifiers: ClinVar variation 136458 (VCV000136458.6), dbSNP rs41265761, ClinGen allele CA289593.

ClinVar aggregate classification (germline): Benign. Review status: criteria provided, multiple submitters, no conflicts (2 of 4 stars). 7 submissions from 3 submitters: Benign (7). Last evaluated 2021-12-05.

Conditions:
Developmental and epileptic encephalopathy 98. Identifiers: MedGen C5562017, MONDO:0030472, OMIM 619605.
Fetal akinesia, respiratory insufficiency, microcephaly, polymicrogyria, and dysmorphic facies. Identifiers: MedGen C5562015, MONDO:0859204, OMIM 619602.
Alternating hemiplegia of childhood 1 (AHC1). Identifiers: Orphanet 2131, MedGen C3549447, MONDO:0007087, OMIM 104290.
Migraine, familial hemiplegic, 2. Identifiers: Orphanet 569, MedGen C1865322, MONDO:0011232, OMIM 602481.

Allele frequency attached by ClinVar (database versions not stated): 1000 Genomes Project 0.00120; 1000 Genomes Project 30x 0.00125; gnomAD exomes 0.00362 and 0.00561; TOPMed 0.00374; ESP Exome Variant Server 0.00377; gnomAD 0.00401 and 0.00414; ExAC 0.00404.
gnomAD v4.1: 8,515 of 1,576,952 alleles (0.54%); highest among the groups gnomAD compares: Non-Finnish European, 0.67%; 31 homozygotes.

Submissions (7):

Genome-Nilou Lab
Classification: Benign for Alternating hemiplegia of childhood 1. Last evaluated: 2021-12-05. Review status: criteria provided, single submitter. Criteria: ACMG Guidelines, 2015. Collection method: clinical testing. Allele origin: germline. Affected: no.

Genome-Nilou Lab
Classification: Benign for Developmental and epileptic encephalopathy 98. Last evaluated: 2021-12-05. Review status: criteria provided, single submitter. Criteria: ACMG Guidelines, 2015. Collection method: clinical testing. Allele origin: germline. Affected: no.

Genome-Nilou Lab
Classification: Benign for Fetal akinesia, respiratory insufficiency, microcephaly, polymicrogyria, and dysmorphic facies. Last evaluated: 2021-12-05. Review status: criteria provided, single submitter. Criteria: ACMG Guidelines, 2015. Collection method: clinical testing. Allele origin: germline. Affected: no.

Genome-Nilou Lab
Classification: Benign for Migraine, familial hemiplegic, 2. Last evaluated: 2021-12-05. Review status: criteria provided, single submitter. Criteria: ACMG Guidelines, 2015. Collection method: clinical testing. Allele origin: germline. Affected: no.

Illumina Laboratory Services, Illumina
Classification: Benign for Migraine, familial hemiplegic, 2. Last evaluated: 2018-01-12. Review status: criteria provided, single submitter. Criteria: ICSL Variant Classification Criteria 13 December 2019. Collection method: clinical testing. Allele origin: germline.
Comment: This variant was observed in the ICSL laboratory as part of a predisposition screen in an ostensibly healthy population. It had not been previously curated by ICSL or reported in the Human Gene Mutation Database (HGMD: prior to June 1st, 2018), and was therefore a candidate for classification through an automated scoring system. Utilizing variant allele frequency, disease prevalence and penetrance estimates, and inheritance mode, an automated score was calculated to assess if this variant is too frequent to cause the disease. Based on the score and internal cut-off values, a variant classified as benign is not then subjected to further curation. The score for this variant resulted in a classification of benign for this disease.

Illumina Laboratory Services, Illumina
Classification: Benign for Alternating hemiplegia of childhood 1. Last evaluated: 2018-01-12. Review status: criteria provided, single submitter. Criteria: ICSL Variant Classification Criteria 13 December 2019. Collection method: clinical testing. Allele origin: germline.
Comment: the same text as in the submission from Illumina Laboratory Services, Illumina above.

GeneDx
Classification: Benign. Last evaluated: 2012-03-08. Review status: criteria provided, single submitter. Criteria: GeneDx Variant Classification (06012015). Collection method: clinical testing. Allele origin: germline. Affected: yes.
Comment: This variant is considered likely benign or benign based on one or more of the following criteria: it is a conservative change, it occurs at a poorly conserved position in the protein, it is predicted to be benign by multiple in silico algorithms, and/or has population frequency not consistent with disease.